The following is an entry in ClinVar:

ClinVar aggregate classification (germline): Benign/Likely benign. Review status: criteria provided, multiple submitters, no conflicts (2 of 4 stars). 12 submissions from 12 submitters: Benign (5); Likely benign (3). 4 of the submissions do not count toward it. Last evaluated 2026-08-01.

Conditions:
PLEC-related disorder. Also called: PLEC-related disorders; PLEC-related condition.
Epidermolysis bullosa simplex, Ogna type (EBS5A). Also called: Pidermolysis bullosa simplex 5A, Ogna type; EPIDERMOLYSIS BULLOSA SIMPLEX 5A, OGNA TYPE. Identifiers: Orphanet 79401, MedGen C0432317, MONDO:0007555, OMIM 131950.
Epidermolysis bullosa simplex 5C, with pyloric atresia (EBS5C). Also called: PLEC1-Related Epidermolysis Bullosa with Pyloric Atresia; PLEC-Related Epidermolysis Bullosa with Pyloric Atresia; Epidermolysis bullosa simplex with pyloric atresia. Identifiers: Orphanet 158684, MedGen C2677349, MONDO:0012807, OMIM 612138.
Epidermolysis bullosa simplex 5B, with muscular dystrophy (EBS5B). Also called: Epidermolysis bullosa simplex with muscular dystrophy; EPIDERMOLYSIS BULLOSA SIMPLEX AND LIMB-GIRDLE MUSCULAR DYSTROPHY. Identifiers: Orphanet 257, MedGen C2931072, MONDO:0009181, OMIM 226670.
Epidermolysis bullosa simplex with nail dystrophy (EBS5D). Identifiers: MedGen C4225309, MONDO:0014661, OMIM 616487.
Autosomal recessive limb-girdle muscular dystrophy type 2Q (LGMDR17). Also called: MUSCULAR DYSTROPHY, LIMB-GIRDLE, AUTOSOMAL RECESSIVE 17. Identifiers: Orphanet 254361, MedGen C3150989, MONDO:0013390, OMIM 613723.

Allele frequency attached by ClinVar (database versions not stated): 1000 Genomes Project 0.00200; 1000 Genomes Project 30x 0.00203; gnomAD 0.00384 and 0.00404; ESP Exome Variant Server 0.00390; gnomAD exomes 0.00409 and 0.00559; TOPMed 0.00454; ExAC 0.00525.
gnomAD v4.1: 8,609 of 1,579,430 alleles (0.55%); highest among the groups gnomAD compares: Middle Eastern, 0.77%; 38 homozygotes.

Submissions (12):

CeGaT Center for Human Genetics Tuebingen
Classification: Likely benign. Last evaluated: 2026-08-01. Review status: criteria provided, single submitter. Criteria: CeGaT Center For Human Genetics Tuebingen Variant Classification Criteria Version 2. Collection method: clinical testing. Allele origin: germline. Affected: yes. Observed: 16 variant alleles.
Comment: PLEC: BP4, BP7, BS2

Labcorp Genetics (formerly Invitae), Labcorp
Classification: Benign for Autosomal recessive limb-girdle muscular dystrophy type 2Q; Epidermolysis bullosa simplex, Ogna type; Epidermolysis bullosa simplex with nail dystrophy; Epidermolysis bullosa simplex 5C, with pyloric atresia; Epidermolysis bullosa simplex 5B, with muscular dystrophy. Last evaluated: 2026-02-03. Review status: criteria provided, single submitter. Criteria: Invitae Variant Classification Sherloc (09022015). Collection method: clinical testing. Allele origin: germline.

Mayo Clinic Laboratories, Mayo Clinic
Classification: Benign. Last evaluated: 2025-05-01. Review status: criteria provided, single submitter. Criteria: ACMG Guidelines, 2015. Collection method: clinical testing. Allele origin: germline. Observed: 19 variant alleles.
Comment: BA1, BS2, BP4, BP7

Blueprint Genetics
Classification: Likely benign. Last evaluated: 2024-11-21. Review status: criteria provided, single submitter. Criteria: ACMG Guidelines, 2015. Collection method: clinical testing. Allele origin: germline.

Athena Diagnostics
Classification: Benign. Last evaluated: 2024-08-20. Review status: criteria provided, single submitter. Criteria: Athena Diagnostics Criteria. Collection method: clinical testing. Allele origin: unknown.

GeneDx
Classification: Benign. Last evaluated: 2017-03-02. Review status: criteria provided, single submitter. Criteria: GeneDx Variant Classification (06012015). Collection method: clinical testing. Allele origin: germline. Affected: yes.
Comment: This variant is considered likely benign or benign based on one or more of the following criteria: it is a conservative change, it occurs at a poorly conserved position in the protein, it is predicted to be benign by multiple in silico algorithms, and/or has population frequency not consistent with disease.

Eurofins Ntd Llc (ga)
Classification: Benign. Last evaluated: 2016-05-06. Review status: criteria provided, single submitter. Criteria: EGL Classification Definitions 2015. Collection method: clinical testing. Allele origin: germline. Observed: 6 variant alleles, 5 heterozygotes.

Breakthrough Genomics
Classification: Likely benign. Review status: criteria provided, single submitter. Criteria: ACMG Guidelines, 2015. Collection method: not provided. Allele origin: germline. Inheritance: Autosomal recessive inheritance. Affected: yes.

PreventionGenetics, part of Exact Sciences
Classification: Benign for PLEC-related condition. Last evaluated: 2019-07-30. Review status: no assertion criteria provided. Collection method: clinical testing. Allele origin: germline. Not counted in ClinVar's aggregate classification.
Comment: This variant is classified as benign based on ACMG/AMP sequence variant interpretation guidelines (Richards et al. 2015 PMID: 25741868, with internal and published modifications).

Clinical Genetics DNA and cytogenetics Diagnostics Lab, Erasmus MC, Erasmus Medical Center
Classification: Likely benign. Review status: no assertion criteria provided. Collection method: clinical testing. Allele origin: germline. Affected: yes. Study: VKGL Data-share Consensus. Not counted in ClinVar's aggregate classification.

Diagnostic Laboratory, Department of Genetics, University Medical Center Groningen
Classification: Likely benign. Review status: no assertion criteria provided. Collection method: clinical testing. Allele origin: germline. Affected: yes. Study: VKGL Data-share Consensus. Not counted in ClinVar's aggregate classification.

Laboratory of Diagnostic Genome Analysis, Leiden University Medical Center (LUMC)
Classification: Likely benign. Review status: no assertion criteria provided. Collection method: clinical testing. Allele origin: germline. Affected: yes. Study: VKGL Data-share Consensus. Not counted in ClinVar's aggregate classification.

NM_201384.3(PLEC):c.7074G>A (p.Ala2358=)

Gene: PLEC (plectin; minus strand). Cytogenetic location: 8q24.3.
Variant type: single nucleotide variant.
Coding change: c.7074G>A on transcript NM_201384.3 (MANE Select); coding-DNA position 7074, G replaced by A.
Protein change: p.Ala2358=; no amino-acid change (alanine 2358 retained).
Molecular consequence: synonymous variant.
Genome position (GRCh38, 1-based): chr8:143,922,855, C>T on the plus strand (G>A on the coding strand, the complement: PLEC is on the minus strand). VCF-style: chr8-143922855-C-T. GRCh37 (hg19) VCF-style: chr8-144997023-C-T.
Other names: p.Ala2344=; c.7155G>A, p.Ala2385= (NM_000445.5); c.7032G>A, p.Ala2344= (NM_201378.4); c.7008G>A, p.Ala2336= (NM_201379.3); c.7485G>A, p.Ala2495= (NM_201380.4); c.6978G>A, p.Ala2326= (NM_201381.3); c.7074G>A, p.Ala2358= (NM_201382.4); c.7086G>A, p.Ala2362= (NM_201383.3).
Identifiers: ClinVar variation 93077 (VCV000093077.61), dbSNP rs146381488, ClinGen allele CA146536.